The following is an entry in ClinVar:

ClinVar aggregate classification (germline): Uncertain significance. Review status: criteria provided, single submitter (1 of 4 stars). 2 submissions from 2 submitters: Uncertain significance (1). 1 of the submissions does not count toward it. Last evaluated 2022-09-27.

Conditions:
Methylmalonic aciduria, cblA type (MACA). Also called: Methylmalonic aciduria, vitamin b12-responsive, due to defect in synthesis of adenosylcobalamin, cbla complementation type; MMA cbl A type; Methylmalonic acidemia cblA type; Methylmalonic aciduria, vitamin B12-responsive; Vitamin B12-responsive methylmalonic acidemia type cblA. Identifiers: Orphanet 28, Orphanet 79310, MedGen C1855109, MONDO:0009613, OMIM 251100.

Allele frequency attached by ClinVar (database versions not stated): gnomAD 0.00001; gnomAD exomes 0.00001; TOPMed 0.00001.
gnomAD v4.1: 9 of 1,614,076 alleles (0.00056%); highest among the groups gnomAD compares: Middle Eastern, 0.033%; no homozygotes.

Submissions (2):

Labcorp Genetics (formerly Invitae), Labcorp
Classification: Uncertain significance for Methylmalonic aciduria, cblA type. Last evaluated: 2022-09-27. Review status: criteria provided, single submitter. Criteria: Invitae Variant Classification Sherloc (09022015). Collection method: clinical testing. Allele origin: germline.
Comment: This sequence change replaces cysteine, which is neutral and slightly polar, with arginine, which is basic and polar, at codon 23 of the MMAA protein (p.Cys23Arg). This variant is not present in population databases (gnomAD no frequency). This variant has not been reported in the literature in individuals affected with MMAA-related conditions. ClinVar contains an entry for this variant (Variation ID: 990262). Advanced modeling of protein sequence and biophysical properties (such as structural, functional, and spatial information, amino acid conservation, physicochemical variation, residue mobility, and thermodynamic stability) performed at Invitae indicates that this missense variant is not expected to disrupt MMAA protein function. In summary, the available evidence is currently insufficient to determine the role of this variant in disease. Therefore, it has been classified as a Variant of Uncertain Significance.

Natera, Inc.
Classification: Uncertain significance for Methylmalonic aciduria cblA type. Last evaluated: 2020-08-15. Review status: no assertion criteria provided. Collection method: clinical testing. Allele origin: germline. Not counted in ClinVar's aggregate classification.

NM_172250.3(MMAA):c.67T>C (p.Cys23Arg)

Gene: MMAA (metabolism of cobalamin associated A; plus strand). Cytogenetic location: 4q31.21.
Variant type: single nucleotide variant.
Coding change: c.67T>C on transcript NM_172250.3 (MANE Select); coding-DNA position 67, T replaced by C.
Protein change: p.Cys23Arg; replaces cysteine 23 with arginine.
Molecular consequence: missense variant.
Genome position (GRCh38, 1-based): chr4:145,639,206, T>C. VCF-style: chr4-145639206-T-C. GRCh37 (hg19) VCF-style: chr4-146560358-T-C.
Other names: c.67T>C, p.Cys23Arg (NM_001375644.1); short protein forms C23R.
Identifiers: ClinVar variation 990262 (VCV000990262.3), dbSNP rs889048711, ClinGen allele CA107719956.
Genomic context (GRCh38, chr4:145,639,206, plus strand): 5'-ATGCTGCTACCACATCCTCACCAGCATTTCCTAAAAGGCCTTTTAAGAGCACCTTTCCGA[T>C]GTTACCACTTCATCTTTCACTCAAGTACTCATCTCGGATCAGGAATCCCATGTGCTCAGC-3'
Protein context (NP_758454.1, residues 13-33): LKGLLRAPFR[Cys23Arg]YHFIFHSSTH